The following is an entry in ClinVar:

ClinVar aggregate classification (germline): Likely benign (1 of 4 stars; one submission).

Submission:

CeGaT Center for Human Genetics Tuebingen
Classification: Likely benign. Last evaluated: 2023-04-01. Review status: criteria provided, single submitter. Criteria: CeGaT Center For Human Genetics Tuebingen Variant Classification Criteria Version 2. Collection method: clinical testing. Allele origin: germline. Affected: yes. Observed: 1 variant allele.
Comment: RHOXF2B: BS2

NM_001099685.3(RHOXF2B):c.204AGAAGAAAAAGATGGCGGCGG[1] (p.69EEKDGGG[1])

Genes: RHOXF1-AS1 (RHOXF1 antisense RNA 1; plus strand), RHOXF2B (Rhox homeobox family member 2B; minus strand). Cytogenetic location: Xq24.
Variant type: Microsatellite.
Coding change: c.204AGAAGAAAAAGATGGCGGCGG[1] on transcript NM_001099685.3 (MANE Select); one copy of the 21-base unit AGAAGAAAAAGATGGCGGCGG starting at c.204; the reference has two copies in a row; one copy, 21 bases deleted.
Protein change: p.69EEKDGGG[1].
Molecular consequence: inframe deletion.
Genome position (GRCh38, 1-based): chrX:120,077,123-120,077,143, CCGCCGCCATCTTTTTCTTCT deleted on the plus strand (AGAAGAAAAAGATGGCGGCGG on the coding strand, the reverse complement: RHOXF2B is on the minus strand); deleting any 21 consecutive bases within chrX:120,077,123-120,077,169 gives the same sequence; the position shown is the placement nearest the transcript's 3' end. VCF-style (leftmost placement, unchanged base first): chrX-120077122-GCCGCCGCCATCTTTTTCTTCT-G. GRCh37 (hg19) VCF-style: chrX-119211087-GCCGCCGCCATCTTTTTCTTCT-G.
Identifiers: ClinVar variation 2661313 (VCV002661313.24), dbSNP rs782348933, ClinGen allele CA10504025.
Genomic context (GRCh38, chrX:120,077,122, plus strand): 5'-GCCATCGCTGCCGCTGGTGCCCTCGAGGTTTCCTTCCCATAGGTGGCCAGGAACTCCGGC[GCCGCCGCCATCTTTTTCTTCT>G]CCGCCGCCATCTTTTTCTTCTCCGCCTTGGGCTCCTGCCGACTTTAACTTTTCTCCTGCT-3'